The following is an entry in ClinVar:

ClinVar aggregate classification (germline): Uncertain significance (1 of 4 stars; one submission).

Conditions:
Familial thoracic aortic aneurysm and aortic dissection (TAAD). Also called: Thoracic aortic aneurysms and dissections. Identifiers: Orphanet 91387, MedGen C4707243, MONDO:0019625.
Hereditary cancer-predisposing syndrome. Also called: Neoplastic Syndromes, Hereditary; Hereditary Cancer Syndrome; Tumor predisposition; Hereditary neoplastic syndrome. Identifiers: Orphanet 140162, MedGen C0027672, MeSH D009386, MONDO:0015356.

Submission:

Ambry Genetics
Classification: Uncertain significance for Hereditary cancer-predisposing syndrome; Familial thoracic aortic aneurysm and aortic dissection. Last evaluated: 2024-12-17. Review status: criteria provided, single submitter. Criteria: Ambry Variant Classification Scheme 2023. Collection method: clinical testing. Allele origin: germline.
Comment: The p.T209S variant (also known as c.625A>T), located in coding exon 4 of the SMAD4 gene, results from an A to T substitution at nucleotide position 625. The threonine at codon 209 is replaced by serine, an amino acid with similar properties. This amino acid position is not well conserved in available vertebrate species. In addition, this alteration is predicted to be tolerated by in silico analysis. Based on the available evidence, the clinical significance of this variant remains unclear.

NM_005359.6(SMAD4):c.625A>T (p.Thr209Ser)

Gene: SMAD4 (SMAD family member 4; plus strand). Cytogenetic location: 18q21.2.
Variant type: single nucleotide variant.
Coding change: c.625A>T on transcript NM_005359.6 (MANE Select); coding-DNA position 625, A replaced by T.
Protein change: p.Thr209Ser; replaces threonine 209 with serine.
Molecular consequence: missense variant. On other transcripts: non-coding transcript variant (2).
Genome position (GRCh38, 1-based): chr18:51,054,951, A>T. VCF-style: chr18-51054951-A-T. GRCh37 (hg19) VCF-style: chr18-48581321-A-T.
Other names: c.625A>T, p.Thr209Ser (NM_001407041.1, NM_001407042.1, NM_001407043.1); short protein forms T209S.
Identifiers: ClinVar variation 3798802 (VCV003798802.1).